The following is an entry in ClinVar:

NM_005908.4(MANBA):c.487G>T (p.Val163Phe)

Gene: MANBA (mannosidase beta; minus strand). Cytogenetic location: 4q24.
Variant type: single nucleotide variant.
Coding change: c.487G>T on transcript NM_005908.4 (MANE Select); coding-DNA position 487, G replaced by T.
Protein change: p.Val163Phe; replaces valine 163 with phenylalanine.
Molecular consequence: missense variant.
Genome position (GRCh38, 1-based): chr4:102,722,933, C>A on the plus strand (G>T on the coding strand, the complement: MANBA is on the minus strand). VCF-style: chr4-102722933-C-A. GRCh37 (hg19) VCF-style: chr4-103644090-C-A.
Other names: short protein forms V163F.
Identifiers: ClinVar variation 1709518 (VCV001709518.2), dbSNP rs779139021, ClinGen allele CA357957969.
Genomic context (GRCh38, chr4:102,722,933, plus strand): 5'-TCCGAACAAAGTTGACATGGCATTCACCCTTCTGCACAAGTGGAGGGCAGTCTGGGGGAA[C>A]CTGGTAGCGAGTGTGAGCTTTGCTCTGCTGTGCTGCATACAACACCGCTGACTGGAAACG-3'
Protein context (NP_005899.3, residues 153-173): QQSKAHTRYQ[Val163Phe]PPDCPPLVQK

ClinVar aggregate classification (germline): Uncertain significance (1 of 4 stars; one submission).

Conditions:
Beta-D-mannosidosis (MANSB). Also called: MANNOSIDOSIS, BETA A, LYSOSOMAL; BETA-MANNOSIDASE DEFICIENCY; LYSOSOMAL BETA-MANNOSIDASE DEFICIENCY; Beta-Mannosidosis. Identifiers: Orphanet 118, MedGen C4048196, MONDO:0009562, OMIM 248510.

gnomAD v4.1: 1 of 1,614,136 alleles (0.000062%); highest among the groups gnomAD compares: East Asian, 0.0022%; no homozygotes.

Submission:

MGZ Medical Genetics Center
Classification: Uncertain significance for Beta-D-mannosidosis. Last evaluated: 2022-06-20. Review status: criteria provided, single submitter. Criteria: ACMG Guidelines, 2015. Collection method: clinical testing. Allele origin: germline. Affected: yes. Observed: 1 variant allele.
Comment: ACMG criteria applied: PM2_SUP, PP3